The following is an entry in ClinVar:

ClinVar aggregate classification (germline): Uncertain significance (1 of 4 stars; one submission).

Allele frequency attached by ClinVar (database versions not stated): gnomAD exomes 0.00001; TOPMed 0.00001.

Submission:

Labcorp Genetics (formerly Invitae), Labcorp
Classification: Uncertain significance. Last evaluated: 2023-10-03. Review status: criteria provided, single submitter. Criteria: Invitae Variant Classification Sherloc (09022015). Collection method: clinical testing. Allele origin: germline.
Comment: This sequence change affects codon 46 of the IL18BP mRNA. It is a 'silent' change, meaning that it does not change the encoded amino acid sequence of the IL18BP protein. This variant is present in population databases (no rsID available, gnomAD 0.006%). This variant has not been reported in the literature in individuals affected with IL18BP-related conditions. ClinVar contains an entry for this variant (Variation ID: 1971212). In summary, the available evidence is currently insufficient to determine the role of this variant in disease. Therefore, it has been classified as a Variant of Uncertain Significance.

NM_001039660.2(IL18BP):c.138C>T (p.Ser46=)

Gene: IL18BP (interleukin 18 binding protein; plus strand). Cytogenetic location: 11q13.4.
Variant type: single nucleotide variant.
Coding change: c.138C>T on transcript NM_001039660.2 (MANE Select); coding-DNA position 138, C replaced by T.
Protein change: p.Ser46=; no amino-acid change (serine 46 retained).
Molecular consequence: synonymous variant.
Genome position (GRCh38, 1-based): chr11:72,000,460, C>T. VCF-style: chr11-72000460-C-T. GRCh37 (hg19) VCF-style: chr11-71711506-C-T.
Other names: c.138C>T, p.Ser46= (NM_001039659.2, NM_001145055.1, NM_001145057.1 and 3 more transcripts).
Identifiers: ClinVar variation 1971212 (VCV001971212.5), dbSNP rs1046220138, ClinGen allele CA224378405.
Genomic context (GRCh38, chr11:72,000,460, plus strand): 5'-CCTGGTCAGAGCCACACCTGTCTCGCAGACCACCACAGCTGCCACTGCCTCAGTTAGAAG[C>T]ACAAAGGACCCCTGCCCCTCCCAGCCCCCAGTGTTCCCAGCAGCTAAGCAGTGTCCAGCA-3'
Protein context (NP_001034749.1, residues 36-56): TTTAATASVR[Ser46=]TKDPCPSQPP